The following is an entry in ClinVar:

ClinVar aggregate classification (germline): Uncertain significance (1 of 4 stars; one submission).

Conditions:
Hereditary cancer-predisposing syndrome. Also called: Neoplastic Syndromes, Hereditary; Tumor predisposition; Hereditary Cancer Syndrome; Hereditary neoplastic syndrome. Identifiers: Orphanet 140162, MedGen C0027672, MeSH D009386, MONDO:0015356.

Submission:

Ambry Genetics
Classification: Uncertain significance for Hereditary cancer-predisposing syndrome. Last evaluated: 2026-02-05. Review status: criteria provided, single submitter. Criteria: Ambry Variant Classification Scheme 2023. Collection method: clinical testing. Allele origin: germline.
Comment: The p.E848Q variant (also known as c.2542G>C), located in coding exon 22 of the POLE gene, results from a G to C substitution at nucleotide position 2542. The glutamic acid at codon 848 is replaced by glutamine, an amino acid with highly similar properties. This amino acid position is highly conserved in available vertebrate species. In addition, the in silico prediction for this alteration is inconclusive. Based on the available evidence, the clinical significance of this variant remains unclear.

NM_006231.4(POLE):c.2542G>C (p.Glu848Gln)

Gene: POLE (DNA polymerase epsilon, catalytic subunit; minus strand). Cytogenetic location: 12q24.33.
Variant type: single nucleotide variant.
Coding change: c.2542G>C on transcript NM_006231.4 (MANE Select); coding-DNA position 2542, G replaced by C.
Protein change: p.Glu848Gln; replaces glutamic acid 848 with glutamine.
Molecular consequence: missense variant.
Genome position (GRCh38, 1-based): chr12:132,664,389, C>G on the plus strand (G>C on the coding strand, the complement: POLE is on the minus strand). VCF-style: chr12-132664389-C-G. GRCh37 (hg19) VCF-style: chr12-133240975-C-G.
Other names: short protein forms E848Q.
Identifiers: ClinVar variation 4844267 (VCV004844267.1).